The following is an entry in ClinVar:

ClinVar aggregate classification (germline): Uncertain significance. Review status: criteria provided, multiple submitters, no conflicts (2 of 4 stars). 2 submissions from 2 submitters: Uncertain significance (2). Last evaluated 2025-11-11.

Conditions:
Inborn genetic diseases. Identifiers: MedGen C0950123, MeSH D030342.
Epidermolysis bullosa simplex with nail dystrophy (EBS5D). Identifiers: MedGen C4225309, MONDO:0014661, OMIM 616487.
Epidermolysis bullosa simplex 5B, with muscular dystrophy (EBS5B). Also called: EPIDERMOLYSIS BULLOSA SIMPLEX AND LIMB-GIRDLE MUSCULAR DYSTROPHY; Epidermolysis bullosa simplex with muscular dystrophy. Identifiers: Orphanet 257, MedGen C2931072, MONDO:0009181, OMIM 226670.
Epidermolysis bullosa simplex, Ogna type (EBS5A). Also called: Pidermolysis bullosa simplex 5A, Ogna type; EPIDERMOLYSIS BULLOSA SIMPLEX 5A, OGNA TYPE. Identifiers: Orphanet 79401, MedGen C0432317, MONDO:0007555, OMIM 131950.
Autosomal recessive limb-girdle muscular dystrophy type 2Q (LGMDR17). Also called: MUSCULAR DYSTROPHY, LIMB-GIRDLE, AUTOSOMAL RECESSIVE 17. Identifiers: Orphanet 254361, MedGen C3150989, MONDO:0013390, OMIM 613723.
Epidermolysis bullosa simplex 5C, with pyloric atresia (EBS5C). Also called: PLEC-Related Epidermolysis Bullosa with Pyloric Atresia; Epidermolysis bullosa simplex with pyloric atresia; PLEC1-Related Epidermolysis Bullosa with Pyloric Atresia. Identifiers: Orphanet 158684, MedGen C2677349, MONDO:0012807, OMIM 612138.

Allele frequency attached by ClinVar (database versions not stated): ExAC 0.00003; gnomAD 0.00003 and 0.00004; TOPMed 0.00004; ESP Exome Variant Server 0.00008; 1000 Genomes Project 30x 0.00016; 1000 Genomes Project 0.00020.
gnomAD v4.1: 25 of 1,613,324 alleles (0.0015%); highest among the groups gnomAD compares: East Asian, 0.011%; no homozygotes.

Submissions (2):

Labcorp Genetics (formerly Invitae), Labcorp
Classification: Uncertain significance for Autosomal recessive limb-girdle muscular dystrophy type 2Q; Epidermolysis bullosa simplex, Ogna type; Epidermolysis bullosa simplex with nail dystrophy; Epidermolysis bullosa simplex 5C, with pyloric atresia; Epidermolysis bullosa simplex 5B, with muscular dystrophy. Last evaluated: 2025-11-11. Review status: criteria provided, single submitter. Criteria: Invitae Variant Classification Sherloc (09022015). Collection method: clinical testing. Allele origin: germline.
Comment: This sequence change replaces glutamic acid, which is acidic and polar, with lysine, which is basic and polar, at codon 1293 of the PLEC protein (p.Glu1293Lys). The frequency data for this variant in the population databases is considered unreliable, as metrics indicate poor data quality at this position in the gnomAD database. This variant has not been reported in the literature in individuals affected with PLEC-related conditions. ClinVar contains an entry for this variant (Variation ID: 538917). Invitae Evidence Modeling of protein sequence and biophysical properties (such as structural, functional, and spatial information, amino acid conservation, physicochemical variation, residue mobility, and thermodynamic stability) indicates that this missense variant is not expected to disrupt PLEC protein function with a negative predictive value of 80%. In summary, the available evidence is currently insufficient to determine the role of this variant in disease. Therefore, it has been classified as a Variant of Uncertain Significance.

Ambry Genetics
Classification: Uncertain significance for Inborn genetic diseases. Last evaluated: 2024-04-24. Review status: criteria provided, single submitter. Criteria: Ambry Variant Classification Scheme 2023. Collection method: clinical testing. Allele origin: germline.

NM_201384.3(PLEC):c.3796G>A (p.Glu1266Lys)

Gene: PLEC (plectin; minus strand). Cytogenetic location: 8q24.3.
Variant type: single nucleotide variant.
Coding change: c.3796G>A on transcript NM_201384.3 (MANE Select); coding-DNA position 3796, G replaced by A.
Protein change: p.Glu1266Lys; replaces glutamic acid 1266 with lysine.
Molecular consequence: missense variant.
Genome position (GRCh38, 1-based): chr8:143,927,296, C>T on the plus strand (G>A on the coding strand, the complement: PLEC is on the minus strand). VCF-style: chr8-143927296-C-T. GRCh37 (hg19) VCF-style: chr8-145001464-C-T.
Other names: c.3877G>A, p.Glu1293Lys (NM_000445.5); c.3754G>A, p.Glu1252Lys (NM_201378.4); c.3730G>A, p.Glu1244Lys (NM_201379.3); c.4207G>A, p.Glu1403Lys (NM_201380.4); c.3700G>A, p.Glu1234Lys (NM_201381.3); c.3796G>A, p.Glu1266Lys (NM_201382.4); c.3808G>A, p.Glu1270Lys (NM_201383.3); c.3877G>A (NM_000445.3); short protein forms E1252K, E1234K, E1244K, E1293K, E1266K, E1270K, E1403K.
Identifiers: ClinVar variation 538917 (VCV000538917.7), dbSNP rs377647607, ClinGen allele CA4926924.